The following is an entry in ClinVar:

ClinVar aggregate classification (germline): Conflicting classifications of pathogenicity. Review status: criteria provided, conflicting classifications (1 of 4 stars). 3 submissions from 3 submitters: Uncertain significance (2); Likely benign (1). Last evaluated 2024-12-09.

Conditions:
Inborn genetic diseases. Identifiers: MedGen C0950123, MeSH D030342.
Charcot-Marie-Tooth disease dominant intermediate B (CMTDIB). Also called: CHARCOT-MARIE-TOOTH NEUROPATHY, DOMINANT INTERMEDIATE B; Charcot-Marie-Tooth disease dominant intermediate 1; CMT DI1; Charcot-Marie-Tooth disease dominant intermediate I. Identifiers: Orphanet 100044, Orphanet 228179, MedGen C1847902, MONDO:0011674, OMIM 606482.

Allele frequency attached by ClinVar (database versions not stated): ExAC 0.00001; gnomAD 0.00001; gnomAD exomes 0.00001; TOPMed 0.00002.
gnomAD v4.1: 6 of 1,613,392 alleles (0.00037%); highest among the groups gnomAD compares: Middle Eastern, 0.016%; no homozygotes.

Submissions (3):

Labcorp Genetics (formerly Invitae), Labcorp
Classification: Likely benign for Charcot-Marie-Tooth disease dominant intermediate B. Last evaluated: 2024-12-09. Review status: criteria provided, single submitter. Criteria: Invitae Variant Classification Sherloc (09022015). Collection method: clinical testing. Allele origin: germline.

Ambry Genetics
Classification: Uncertain significance for Inborn genetic diseases. Last evaluated: 2024-10-29. Review status: criteria provided, single submitter. Criteria: Ambry Variant Classification Scheme 2023. Collection method: clinical testing. Allele origin: germline.

Athena Diagnostics
Classification: Uncertain significance. Last evaluated: 2024-10-16. Review status: criteria provided, single submitter. Criteria: Athena Diagnostics Criteria. Collection method: clinical testing. Allele origin: unknown.
Comment: Available data are insufficient to determine the clinical significance of the variant at this time. The frequency of this variant in the general population is uninformative in assessment of its pathogenicity. Polyphen and MutationTaster predict this amino acid change may be benign.

NM_001005361.3(DNM2):c.2363C>T (p.Thr788Ile)

Gene: DNM2 (dynamin 2; plus strand). Cytogenetic location: 19p13.2.
Variant type: single nucleotide variant.
Coding change: c.2363C>T on transcript NM_001005361.3 (MANE Select); coding-DNA position 2363, C replaced by T.
Protein change: p.Thr788Ile; replaces threonine 788 with isoleucine.
Molecular consequence: missense variant.
Genome position (GRCh38, 1-based): chr19:10,830,198, C>T. VCF-style: chr19-10830198-C-T. GRCh37 (hg19) VCF-style: chr19-10940874-C-T.
Other names: c.2363C>T, p.Thr788Ile (NM_001005360.3, NM_001190716.2); c.2351C>T, p.Thr784Ile (NM_001005362.3, NM_004945.4); c.2363C>T (NM_001005360.2); short protein forms T784I, T788I.
Identifiers: ClinVar variation 1495890 (VCV001495890.10), dbSNP rs763624831, ClinGen allele CA9201599.
Genomic context (GRCh38, chr19:10,830,198, plus strand): 5'-AGCGCCGACCGGTGTCCAGCATACACCCCCCTGGCCGGCCCCCAGCAGTGAGGGGCCCCA[C>T]TCCAGGGCCCCCCCTGATTCCTGTTCCCGTGGGGGCAGCAGCCTCCTTCTCGGCGCCCCC-3'
Protein context (NP_001005361.1, residues 778-798): PGRPPAVRGP[Thr788Ile]PGPPLIPVPV